The following is an entry in ClinVar:

NM_001184880.2(PCDH19):c.1327A>C (p.Ile443Leu)

Gene: PCDH19 (protocadherin 19; minus strand). Cytogenetic location: Xq22.1.
Variant type: single nucleotide variant.
Coding change: c.1327A>C on transcript NM_001184880.2 (MANE Select); coding-DNA position 1327, A replaced by C.
Protein change: p.Ile443Leu; replaces isoleucine 443 with leucine.
Molecular consequence: missense variant.
Genome position (GRCh38, 1-based): chrX:100,407,271, T>G on the plus strand (A>C on the coding strand, the complement: PCDH19 is on the minus strand). VCF-style: chrX-100407271-T-G. GRCh37 (hg19) VCF-style: chrX-99662269-T-G.
Other names: c.1327A>C, p.Ile443Leu (NM_001105243.2, NM_020766.3); short protein forms I443L.
Identifiers: ClinVar variation 4539857 (VCV004539857.1).
Genomic context (GRCh38, chrX:100,407,271, plus strand): 5'-GCACAATGACCTGGTAGTAGGGCTTGGAAAAGTGCGGGTGGTTGTCATTTTCGTCAGTGA[T>G]GAGCACGGTAAAGGACTTGGCACTCTGCAGCATGGGCACGCCGCCGTCGCGTGCCTGAAT-3'
Protein context (NP_001171809.1, residues 433-453): LQSAKSFTVL[Ile443Leu]TDENDNHPHF

ClinVar aggregate classification (germline): Uncertain significance (1 of 4 stars; one submission).

gnomAD v4.1: 1 of 1,212,117 alleles (0.000083%); highest among the groups gnomAD compares: Non-Finnish European, 0.00011%; no homozygotes.

Submission:

GeneDx
Classification: Uncertain significance. Last evaluated: 2025-06-26. Review status: criteria provided, single submitter. Criteria: GeneDx Variant Classification Process June 2021. Collection method: clinical testing. Allele origin: germline. Affected: yes.
Comment: Not observed at significant frequency in large population cohorts (gnomAD); In silico analysis suggests that this missense variant does not alter protein structure/function; Has not been previously published as pathogenic or benign to our knowledge